The following is an entry in ClinVar:

NM_004614.5(TK2):c.415G>T (p.Ala139Ser)

Gene: TK2 (thymidine kinase 2; minus strand). Cytogenetic location: 16q21.
Variant type: single nucleotide variant.
Coding change: c.415G>T on transcript NM_004614.5 (MANE Select); coding-DNA position 415, G replaced by T.
Protein change: p.Ala139Ser; replaces alanine 139 with serine.
Molecular consequence: missense variant. On other transcripts: non-coding transcript variant (1).
Genome position (GRCh38, 1-based): chr16:66,529,028, C>A on the plus strand (G>T on the coding strand, the complement: TK2 is on the minus strand). VCF-style: chr16-66529028-C-A. GRCh37 (hg19) VCF-style: chr16-66562931-C-A.
Other names: c.322G>T, p.Ala108Ser (NM_001172643.1, NM_001271935.1); c.340G>T, p.Ala114Ser (NM_001172644.2); c.361G>T, p.Ala121Ser (NM_001172645.2); c.268G>T, p.Ala90Ser (NM_001271934.2); c.124G>T, p.Ala42Ser (NM_001272050.2); short protein forms A90S, A139S, A108S, A114S, A121S, A42S.
Identifiers: ClinVar variation 808055 (VCV000808055.49), dbSNP rs138479499, ClinGen allele CA282187678.
Genomic context (GRCh38, chr16:66,529,028, plus strand): 5'-ATTATCAACTATTCAAACTACAGTACCTTCTATACAGGTTTTCTACAAAAATGTATCTTG[C>A]GCTGTGAATCGACCTCTCCATCAACCGTACAGATGACACCTAAAGGAAAACAAAAAGAGA-3'
Protein context (NP_004605.4, residues 129-149): VRLMERSIHS[Ala139Ser]RYIFVENLYR

ClinVar aggregate classification (germline): Conflicting classifications of pathogenicity. Review status: criteria provided, conflicting classifications (1 of 4 stars). 4 submissions from 4 submitters: Likely pathogenic (1); Uncertain significance (3). Last evaluated 2024-08-13.

gnomAD v4.1: 4 of 1,614,082 alleles (0.00025%); highest among the groups gnomAD compares: Admixed American, 0.0033%; no homozygotes.

Submissions (4):

Women's Health and Genetics/Laboratory Corporation of America, LabCorp
Classification: Uncertain significance. Last evaluated: 2024-08-13. Review status: criteria provided, single submitter. Criteria: LabCorp Variant Classification Summary - May 2015. Collection method: clinical testing. Allele origin: germline.
Comment: Variant summary: TK2 c.415G>T (p.Ala139Ser) results in a conservative amino acid change located in the Deoxynucleoside kinase domain (IPR031314) of the encoded protein sequence. Three of five in-silico tools predict a damaging effect of the variant on protein function. The variant allele was found at a frequency of 8e-06 in 251354 control chromosomes (gnomAD). To our knowledge, no occurrence of c.415G>T in individuals affected with Mitochondrial DNA Depletion Syndrome - TK2 Related and no experimental evidence demonstrating its impact on protein function have been reported. However, different variants affecting the same amino acid (A139D/E) were reported with severely decreased function (PMID 34758700). In addition, other missense variants affecting the same codon have been classified as pathogenic by our lab (c.415G>A (p.Ala139Thr), and c.416C>T (p.Ala139Val)), supporting the critical relevance of codon 139 to TK2 protein function. ClinVar contains an entry for this variant (Variation ID: 808055). Based on the evidence outlined above, the variant was classified as VUS-possibly pathogenic.

Labcorp Genetics (formerly Invitae), Labcorp
Classification: Likely pathogenic. Last evaluated: 2024-03-11. Review status: criteria provided, single submitter. Criteria: Invitae Variant Classification Sherloc (09022015). Collection method: clinical testing. Allele origin: germline.
Comment: This sequence change replaces alanine, which is neutral and non-polar, with serine, which is neutral and polar, at codon 139 of the TK2 protein (p.Ala139Ser). This variant is present in population databases (no rsID available, gnomAD 0.006%). This variant has not been reported in the literature in individuals affected with TK2-related conditions. ClinVar contains an entry for this variant (Variation ID: 808055). Advanced modeling of protein sequence and biophysical properties (such as structural, functional, and spatial information, amino acid conservation, physicochemical variation, residue mobility, and thermodynamic stability) performed at Invitae indicates that this missense variant is not expected to disrupt TK2 protein function with a negative predictive value of 80%. This variant disrupts the p.Ala139 amino acid residue in TK2. Other variant(s) that disrupt this residue have been determined to be pathogenic (PMID: 16504786, 25446393, 29602790, 31060578). This suggests that this residue is clinically significant, and that variants that disrupt this residue are likely to be disease-causing. In summary, the currently available evidence indicates that the variant is pathogenic, but additional data are needed to prove that conclusively. Therefore, this variant has been classified as Likely Pathogenic.

Blueprint Genetics
Classification: Uncertain significance. Last evaluated: 2019-03-20. Review status: criteria provided, single submitter. Criteria: ACMG Guidelines, 2015. Collection method: clinical testing. Allele origin: germline.

CeGaT Center for Human Genetics Tuebingen
Classification: Uncertain significance. Last evaluated: 2019-02-01. Review status: criteria provided, single submitter. Criteria: CeGaT Center For Human Genetics Tuebingen Variant Classification Criteria Version 2. Collection method: clinical testing. Allele origin: germline. Affected: yes. Observed: 1 variant allele.

Literature cited by the submitters: PubMed 16504786 (cited by Labcorp Genetics (formerly Invitae), Labcorp); PubMed 25446393 (cited by Labcorp Genetics (formerly Invitae), Labcorp); PubMed 29602790 (cited by Labcorp Genetics (formerly Invitae), Labcorp); PubMed 31060578 (cited by Labcorp Genetics (formerly Invitae), Labcorp).